The following is an entry in ClinVar:

NC_000023.10:g.(?_31222058)_(31986651_?)dup

Gene: DMD (dystrophin; minus strand). Cytogenetic location: Xp21.2-21.1.
Variant type: Duplication.
Identifiers: ClinVar variation 1411047 (VCV001411047.5).

ClinVar aggregate classification (germline): Uncertain significance (1 of 4 stars; one submission).

Conditions:
Duchenne muscular dystrophy (DMD). Also called: MUSCULAR DYSTROPHY, PSEUDOHYPERTROPHIC PROGRESSIVE, DUCHENNE TYPE; Duchenne Muscular Dystrophy (DMD). Identifiers: Orphanet 98896, MedGen C0013264, MONDO:0010679, OMIM 310200.

Submission:

Labcorp Genetics (formerly Invitae), Labcorp
Classification: Uncertain significance for Duchenne muscular dystrophy. Last evaluated: 2021-06-23. Review status: criteria provided, single submitter. Criteria: Invitae Variant Classification Sherloc (09022015). Collection method: clinical testing. Allele origin: germline.
Comment: A similar copy number variant has been observed in individuals with DMD-related conditions (PMID: 31705731; Invitae). Experimental studies and prediction algorithms are not available or were not evaluated, and the functional significance of this variant is currently unknown. In summary, the available evidence is currently insufficient to determine the role of this variant in disease. Therefore, it has been classified as a Variant of Uncertain Significance. This variant results in a copy number gain of the genomic region encompassing exon(s) 45-67 of the DMD gene. While the exact position of this variant cannot be determined from the data, sub-genic copy number gains are generally in tandem (PMID: 25640679). This variant is predicted to be in-frame, and likely preserves the integrity of the reading frame.

Literature cited by the submitters: PubMed 31705731; PubMed 25640679.